The following is an entry in ClinVar:

ClinVar aggregate classification (germline): Likely pathogenic (1 of 4 stars; one submission).

Conditions:
Intellectual disability, autosomal dominant 16 (CSS4). Also called: COFFIN-SIRIS SYNDROME 4. Identifiers: Orphanet 1465, MedGen C3553249, MONDO:0013821, OMIM 614609.

Submission:

Institute of Human Genetics, University of Leipzig Medical Center
Classification: Likely pathogenic for Intellectual disability, autosomal dominant 16. Last evaluated: 2022-01-17. Review status: criteria provided, single submitter. Criteria: ACMG Guidelines, 2015. Collection method: clinical testing. Allele origin: de novo. Affected: yes.
Comment: This variant was identified as de novo (maternity and paternity confirmed)._x000D_ Criteria applied: PS2, PM1, PM2_SUP, PP3

NM_003072.5(SMARCA4):c.1462G>A (p.Glu488Lys)

Gene: SMARCA4 (SWI/SNF related BAF chromatin remodeling complex subunit ATPase 4; plus strand). Cytogenetic location: 19p13.2.
Variant type: single nucleotide variant.
Coding change: c.1462G>A on transcript NM_003072.5 (MANE Select); coding-DNA position 1462, G replaced by A.
Protein change: p.Glu488Lys; replaces glutamic acid 488 with lysine.
Molecular consequence: missense variant. On other transcripts: non-coding transcript variant (1).
Genome position (GRCh38, 1-based): chr19:10,994,870, G>A. VCF-style: chr19-10994870-G-A. GRCh37 (hg19) VCF-style: chr19-11105546-G-A.
Other names: c.1462G>A, p.Glu488Lys (NM_001128849.3, NM_001128844.3, NM_001128845.2 and 5 more transcripts); short protein forms E488K.
Identifiers: ClinVar variation 1325852 (VCV001325852.2), dbSNP rs2145938426, ClinGen allele CA404062038.